The following is an entry in ClinVar:

NM_182961.4(SYNE1):c.18073G>T (p.Ala6025Ser)

Gene: SYNE1 (spectrin repeat containing nuclear envelope protein 1; minus strand). Cytogenetic location: 6q25.2.
Variant type: single nucleotide variant.
Coding change: c.18073G>T on transcript NM_182961.4 (MANE Select); coding-DNA position 18073, G replaced by T.
Protein change: p.Ala6025Ser; replaces alanine 6025 with serine.
Molecular consequence: missense variant.
Genome position (GRCh38, 1-based): chr6:152,284,112, C>A on the plus strand (G>T on the coding strand, the complement: SYNE1 is on the minus strand). VCF-style: chr6-152284112-C-A. GRCh37 (hg19) VCF-style: chr6-152605247-C-A.
Other names: c.17860G>T, p.Ala5954Ser (NM_033071.5); short protein forms A6025S, A5954S.
Identifiers: ClinVar variation 2142649 (VCV002142649.4), dbSNP rs886042460, ClinGen allele CA366097516.

ClinVar aggregate classification (germline): Uncertain significance (1 of 4 stars; one submission).

Conditions:
Autosomal recessive ataxia, Beauce type. Also called: SYNE1-Related Autosomal Recessive Cerebellar Ataxia; Spinocerebellar ataxia, autosomal recessive 8; ATAXIA, RECESSIVE, OF BEAUCE; SYNE1 Deficiency. Identifiers: Orphanet 88644, MedGen C1853116, MONDO:0012549, OMIM 610743.
Emery-Dreifuss muscular dystrophy 4, autosomal dominant (EDMD4). Also called: EMERY-DREIFUSS MUSCULAR DYSTROPHY 4 WITH VARIABLE FEATURES. Identifiers: Orphanet 261, MedGen C2751807, MONDO:0013071, OMIM 612998.

Submission:

Labcorp Genetics (formerly Invitae), Labcorp
Classification: Uncertain significance for Emery-Dreifuss muscular dystrophy 4, autosomal dominant; Autosomal recessive ataxia, Beauce type. Last evaluated: 2022-08-12. Review status: criteria provided, single submitter. Criteria: Invitae Variant Classification Sherloc (09022015). Collection method: clinical testing. Allele origin: germline.
Comment: This variant has not been reported in the literature in individuals affected with SYNE1-related conditions. In summary, the available evidence is currently insufficient to determine the role of this variant in disease. Therefore, it has been classified as a Variant of Uncertain Significance. Algorithms developed to predict the effect of sequence changes on RNA splicing suggest that this variant may disrupt the consensus splice site. Algorithms developed to predict the effect of missense changes on protein structure and function are either unavailable or do not agree on the potential impact of this missense change (SIFT: "Deleterious"; PolyPhen-2: "Benign"; Align-GVGD: "Class C15"). This variant is not present in population databases (gnomAD no frequency). This sequence change replaces alanine, which is neutral and non-polar, with serine, which is neutral and polar, at codon 5954 of the SYNE1 protein (p.Ala5954Ser).